The following is an entry in ClinVar:

NM_000478.6(ALPL):c.997+1G>T

Gene: ALPL (alkaline phosphatase, biomineralization associated; plus strand). Cytogenetic location: 1p36.12.
Variant type: single nucleotide variant.
Coding change: c.997+1G>T on transcript NM_000478.6 (MANE Select); the canonical splice donor site of the intron after coding-DNA position 997, G replaced by T.
Molecular consequence: splice donor variant.
Genome position (GRCh38, 1-based): chr1:21,573,800, G>T. VCF-style: chr1-21573800-G-T. GRCh37 (hg19) VCF-style: chr1-21900293-G-T.
Other names: c.997+1G>T (NM_001369805.2, NM_001369804.2, NM_001369803.2); c.832+1G>T (NM_001127501.4); c.766+1G>T (NM_001177520.3).
Identifiers: ClinVar variation 853798 (VCV000853798.21), dbSNP rs1292415045, ClinGen allele CA338880451.

ClinVar aggregate classification (germline): Pathogenic/Likely pathogenic. Review status: criteria provided, multiple submitters, no conflicts (2 of 4 stars). 9 submissions from 9 submitters: Pathogenic (8); Likely pathogenic (1). Last evaluated 2026-01-05.

Conditions:
Childhood hypophosphatasia. Identifiers: Orphanet 247667, Orphanet 436, MedGen C0220743, MONDO:1010168, OMIM 241510, MONDO:0009428.
Adult hypophosphatasia. Identifiers: Orphanet 247676, Orphanet 436, MedGen C0268413, MONDO:1010154, OMIM 146300, MONDO:0007798.
Hypophosphatasia. Also called: Phosphoethanol-aminuria. Identifiers: Orphanet 436, MedGen C0020630, MeSH D007014, MONDO:0018570.
Infantile hypophosphatasia. Identifiers: Orphanet 247651, Orphanet 436, MedGen C0268412, MONDO:1010169, OMIM 241500, MONDO:0009427.

Allele frequency attached by ClinVar (database versions not stated): gnomAD 0.00001.
gnomAD v4.1: 2 of 1,614,072 alleles (0.00012%); highest among the groups gnomAD compares: East Asian, 0.0045%; no homozygotes.

Submissions (9):

Prenatal Diagnosis Unit, University Medical Center at Ho Chi Minh City, University of Medicine and Pharmacy at Ho Chi Minh City
Classification: Pathogenic for Childhood hypophosphatasia. Last evaluated: 2026-01-05. Review status: criteria provided, single submitter. Criteria: ACMG Guidelines, 2015. Collection method: provider interpretation. Allele origin: unknown. Inheritance: Autosomal recessive inheritance. Affected: yes. Observed: 1 variant allele.
Comment: This sequence change affects a donor splice site in intron 9 of the ALPL gene. Several computational tools predict a significant impact on normal splicing: Three predict the variant abolishes a canonical 5' splicing donor site (gnomAD). However, these predictions have yet to be confirmed by functional studies. Loss-of-function variants in ALPL are known to be pathogenic for hypophosphatasia infantile (PMID: 32973344). This variant has been observed in individuals (including our case) with autosomal recessive Hypophosphatasia infantile (PMID: 20924064) and not present in population databases (gnomAD no frequency). Clinical diagnostic laboratory has submitted clinical-significance assessments for this variant to ClinVar after 2014 without evidence for independent evaluation and classified the variant as pathogenic (Clinvar). In conclusion, this variant is classified as a pathogenic variant according to the ACMG/AMP 2015 guidelines, based on criteria PSV1, PS1, PS4 supporting, PM2, PP3, PP5

Natera, Inc.
Classification: Pathogenic for Hypophosphatasia. Last evaluated: 2025-12-15. Review status: criteria provided, single submitter. Criteria: Natera Variant Classification Schema (03/2026). Collection method: clinical testing. Allele origin: germline.
Comment: The c.997+1G>T variant in ALPL is a canonical splice donor site variant predicted to affect pre-mRNA splicing, which may result in an abnormal transcript and altered protein product. This variant is expected to result in nonsense mediated decay, truncation, or a dysfunctional protein product. This variant is rare in the general population with a frequency below the threshold expected for the associated phenotype(s). This variant has been observed in one or more individuals affected with the associated recessive disease, as either homozygous or compound heterozygous with a second variant (PMID: 39252126). Another variant at this same site results in an alteration predicted to cause a similar molecular effect has been observed in individual(s) with the associated phenotype. Given the available evidence, this variant is classified as Pathogenic.

Genomenon, Inc
Classification: Pathogenic for Hypophosphatasia. Last evaluated: 2025-08-29. Review status: criteria provided, single submitter. Criteria: Genomenon Sequence Variant Interpretation Standards. Collection method: curation. Allele origin: germline. Affected: yes.
Comment: ALPL c.997+1G>T is a canonical splice variant located in the donor splice region of intron 9. This variant has been observed in at least one proband affected with hypophosphatasia (PMID:20924064). It is absent or not present at a significant frequency in gnomAD. In conclusion, we classify ALPL c.997+1G>T as a pathogenic variant.

Fulgent Genetics
Classification: Pathogenic for Adult hypophosphatasia; Infantile hypophosphatasia; Childhood hypophosphatasia. Last evaluated: 2024-05-18. Review status: criteria provided, single submitter. Criteria: ACMG Guidelines, 2015. Collection method: clinical testing. Allele origin: germline.

Baylor Genetics
Classification: Pathogenic for Adult hypophosphatasia. Last evaluated: 2024-02-05. Review status: criteria provided, single submitter. Criteria: ACMG Guidelines, 2015. Collection method: clinical testing. Allele origin: unknown.

Labcorp Genetics (formerly Invitae), Labcorp
Classification: Pathogenic. Last evaluated: 2024-01-31. Review status: criteria provided, single submitter. Criteria: Invitae Variant Classification Sherloc (09022015). Collection method: clinical testing. Allele origin: germline.
Comment: This sequence change affects a donor splice site in intron 9 of the ALPL gene. It is expected to disrupt RNA splicing. Variants that disrupt the donor or acceptor splice site typically lead to a loss of protein function (PMID: 16199547), and loss-of-function variants in ALPL are known to be pathogenic (PMID: 3174660, 10679946, 32973344, 33814268). This variant is present in population databases (no rsID available, gnomAD 0.06%). Disruption of this splice site has been observed in individual(s) with hypophosphatasia (PMID: 20924064). In at least one individual the data is consistent with being in trans (on the opposite chromosome) from a pathogenic variant. ClinVar contains an entry for this variant (Variation ID: 853798). Algorithms developed to predict the effect of sequence changes on RNA splicing suggest that this variant may disrupt the consensus splice site. For these reasons, this variant has been classified as Pathogenic.

Myriad Genetics, Inc.
Classification: Pathogenic for Hypophosphatasia. Last evaluated: 2021-11-15. Review status: criteria provided, single submitter. Criteria: Myriad Autosomal Dominant, Autosomal Recessive and X-Linked Classification Criteria (2023). Collection method: clinical testing. Allele origin: unknown.
Comment: NM_000478.4(ALPL):c.997+1G>T is a canonical splice variant classified as pathogenic in the context of hypophosphatasia. c.997+1G>T has been observed in cases with relevant disease (PMID: 20924064). Functional assessments of this variant are not available in the literature. c.997+1G>T has been observed in population frequency databases (gnomAD: EAS 0.06%). In summary, NM_000478.4(ALPL):c.997+1G>T is a canonical splice variant that has internal structural support for pathogenicity and has been observed more frequently in cases with the relevant disease than in healthy populations. Please note: this variant was assessed in the context of healthy population screening.

Women's Health and Genetics/Laboratory Corporation of America, LabCorp
Classification: Likely pathogenic for Hypophosphatasia. Last evaluated: 2021-09-18. Review status: criteria provided, single submitter. Criteria: LabCorp Variant Classification Summary - May 2015. Collection method: clinical testing. Allele origin: germline.
Comment: Variant summary: ALPL c.997+1G>T is located in a canonical splice-site and is predicted to affect mRNA splicing resulting in a significantly altered protein due to either exon skipping, shortening, or inclusion of intronic material. Several computational tools predict a significant impact on normal splicing: Four predict the variant abolishes a canonical 5' splicing donor site. However, these predictions have yet to be confirmed by functional studies. The variant was absent in 250984 control chromosomes. c.997+1G>T has been reported in the literature as a compound heterozygous genotype in at-least one individual affected with Hypophosphatasia and has been subsequently cited by others (example, Liu_2010, Zhu_2012, Mentrup_2017). To our knowledge, no experimental evidence demonstrating an impact on protein function has been reported. One clinical diagnostic laboratory has submitted clinical-significance assessments for this variant to ClinVar after 2014 without evidence for independent evaluation and classified the variant as pathogenic. Based on the evidence outlined above, the variant was classified as likely pathogenic.

Juno Genomics, Hangzhou Juno Genomics, Inc
Classification: Pathogenic for Adult hypophosphatasia; Childhood hypophosphatasia; Infantile hypophosphatasia. Review status: criteria provided, single submitter. Criteria: ACMG Guidelines, 2015. Collection method: clinical testing. Allele origin: germline. Affected: yes.
Comment: Absent from controls (or at extremely low frequency if recessive) in Genome Aggregation Database, Exome Sequencing Project, 1000 Genomes Project, or Exome Aggregation Consortium.;Null variant in a gene where loss of function (LOF) is a known mechanism of disease.;For recessive disorders, detected in trans with a pathogenic variant.;Patient's phenotype or family history is highly specific for a disease with a single genetic etiology.

Literature cited by the submitters: PubMed 32973344 (cited by Prenatal Diagnosis Unit, University Medical Center at Ho Chi Minh City, University of Medicine and Pharmacy at Ho Chi Minh City and Labcorp Genetics (formerly Invitae), Labcorp); PubMed 20924064 (cited by 5 submitters); PubMed 39252126 (cited by Natera, Inc.); PubMed 16199547 (cited by Labcorp Genetics (formerly Invitae), Labcorp); PubMed 3174660 (cited by Labcorp Genetics (formerly Invitae), Labcorp); PubMed 10679946 (cited by Labcorp Genetics (formerly Invitae), Labcorp); PubMed 33814268 (cited by Labcorp Genetics (formerly Invitae), Labcorp); PubMed 23509830 (cited by Women's Health and Genetics/Laboratory Corporation of America, LabCorp); PubMed 27777120 (cited by Women's Health and Genetics/Laboratory Corporation of America, LabCorp).